The following is an entry in ClinVar:

NM_001130438.3(SPTAN1):c.6863C>T (p.Thr2288Met)

Gene: SPTAN1 (spectrin alpha, non-erythrocytic 1; plus strand). Cytogenetic location: 9q34.11.
Variant type: single nucleotide variant.
Coding change: c.6863C>T on transcript NM_001130438.3 (MANE Select); coding-DNA position 6863, C replaced by T.
Protein change: p.Thr2288Met; replaces threonine 2288 with methionine.
Molecular consequence: missense variant.
Genome position (GRCh38, 1-based): chr9:128,632,227, C>T. VCF-style: chr9-128632227-C-T. GRCh37 (hg19) VCF-style: chr9-131394506-C-T.
Other names: c.6788C>T, p.Thr2263Met (NM_001195532.2); c.6926C>T, p.Thr2309Met (NM_001363759.2); c.6803C>T, p.Thr2268Met (NM_001363765.2, NM_001375314.2); c.6950C>T, p.Thr2317Met (NM_001375310.1); c.6863C>T, p.Thr2288Met (NM_001375311.2); c.6899C>T, p.Thr2300Met (NM_001375312.2); c.6845C>T, p.Thr2282Met (NM_001375313.1); c.6962C>T, p.Thr2321Met (NM_001375318.1); and 2 more; short protein forms T2283M, T2317M, T2321M, T2263M, T2300M, T2268M, T2282M, T2288M.
Identifiers: ClinVar variation 1391770 (VCV001391770.12), dbSNP rs2132089093, ClinGen allele CA375098180.

ClinVar aggregate classification (germline): Conflicting classifications of pathogenicity. Review status: criteria provided, conflicting classifications (1 of 4 stars). 4 submissions from 4 submitters: Likely pathogenic (1); Uncertain significance (3). Last evaluated 2026-09-20.

Conditions:
Early-infantile DEE. Also called: Early infantile epileptic encephalopathy with suppression bursts; Early infantile epileptic encephalopathy; Ohtahara syndrome. Identifiers: Orphanet 1934, MedGen C0393706, MONDO:0800491.
SPTAN1-related disorder. Also called: SPTAN1-related disorders; SPTAN1-related condition.
Developmental and epileptic encephalopathy, 5 (DEE5). Identifiers: Orphanet 3451, MedGen C3150731, MONDO:0013277, OMIM 613477.

Submissions (4):

GeneDx
Classification: Likely pathogenic. Last evaluated: 2026-09-20. Review status: criteria provided, single submitter. Criteria: GeneDx Variant Classification Process June 2021. Collection method: clinical testing. Allele origin: germline.
Comment: Not observed at significant frequency in large population cohorts (gnomAD); In silico analysis supports that this missense variant has a deleterious effect on protein structure/function; Has not been previously published as pathogenic or benign to our knowledge

Labcorp Genetics (formerly Invitae), Labcorp
Classification: Uncertain significance for Early-infantile DEE. Last evaluated: 2024-04-24. Review status: criteria provided, single submitter. Criteria: Invitae Variant Classification Sherloc (09022015). Collection method: clinical testing. Allele origin: germline.
Comment: This sequence change replaces threonine, which is neutral and polar, with methionine, which is neutral and non-polar, at codon 2288 of the SPTAN1 protein (p.Thr2288Met). This variant is not present in population databases (gnomAD no frequency). This variant has not been reported in the literature in individuals affected with SPTAN1-related conditions. ClinVar contains an entry for this variant (Variation ID: 1391770). Advanced modeling of protein sequence and biophysical properties (such as structural, functional, and spatial information, amino acid conservation, physicochemical variation, residue mobility, and thermodynamic stability) has been performed at Invitae for this missense variant, however the output from this modeling did not meet the statistical confidence thresholds required to predict the impact of this variant on SPTAN1 protein function. In summary, the available evidence is currently insufficient to determine the role of this variant in disease. Therefore, it has been classified as a Variant of Uncertain Significance.

Clinical Genomics Laboratory, Washington University in St. Louis
Classification: Uncertain significance for Developmental and epileptic encephalopathy, 5. Last evaluated: 2023-12-10. Review status: criteria provided, single submitter. Criteria: ACMG Guidelines, 2015. Collection method: clinical testing. Allele origin: germline.
Comment: The SPTAN1 c.6863C>T (p.Thr2288Met) variant, to our knowledge, has not been reported in the medical literature but has been reported in the ClinVar database as a germline variant of uncertain significance by two submitters. This variant is absent from the general population (gnomAD v.2.1.1), indicating it is not a common variant. Computational predictors are uncertain as to the impact of this variant on SPTAN1 function. Due to limited information, and based on ACMG/AMP guidelines for variant interpretation (Richards S et al., PMID: 25741868), the clinical significance of this variant is uncertain at this time.

PreventionGenetics, part of Exact Sciences
Classification: Uncertain significance for SPTAN1-related condition. Last evaluated: 2022-11-07. Review status: criteria provided, single submitter. Criteria: ACMG Guidelines, 2015. Collection method: clinical testing. Allele origin: germline.
Comment: The SPTAN1 c.6863C>T variant is predicted to result in the amino acid substitution p.Thr2288Met. To our knowledge, this variant has not been reported in the literature or in a large population database, indicating this variant is rare. At this time, the clinical significance of this variant is uncertain due to the absence of conclusive functional and genetic evidence.